The following is an entry in ClinVar:

ClinVar aggregate classification (germline): Likely benign. Review status: criteria provided, multiple submitters, no conflicts (2 of 4 stars). 4 submissions from 4 submitters: Likely benign (4). Last evaluated 2025-12-21.

Conditions:
Arrhythmogenic right ventricular cardiomyopathy (ARVD). Also called: Arrhythmogenic cardiomyopathy; Cardiomyopathy, ARVC; Arrhythmogenic right ventricular dysplasia; Arrhythmogenic Right Ventricular Cardiomyopathy (ARVC). Identifiers: Orphanet 247, MedGen C0349788, MeSH D019571, MONDO:0016587. Disease mechanism: loss of function. Inheritance: Various modes of inheritance.
Cardiomyopathy (CMYO). Also called: Cardiomyopathies. Identifiers: Orphanet 167848, MedGen C0878544, MONDO:0004994, HP:0001638. Inheritance: Various modes of inheritance.
Cardiovascular phenotype. Identifiers: MedGen CN230736.
Arrhythmogenic right ventricular dysplasia 9 (ARVD9). Also called: Arrhythmogenic Right Ventricular Dysplasia/Cardiomyopathy 9; ARRHYTHMOGENIC RIGHT VENTRICULAR DYSPLASIA, FAMILIAL, 9. Identifiers: MedGen C1836906, MONDO:0012180, OMIM 609040.

Allele frequency attached by ClinVar (database versions not stated): ExAC 0.00001; gnomAD exomes 0.00001 and 0.00002; TOPMed 0.00001.
gnomAD v4.1: 26 of 1,614,044 alleles (0.0016%); highest among the groups gnomAD compares: Non-Finnish European, 0.0019%; no homozygotes.

Submissions (4):

Labcorp Genetics (formerly Invitae), Labcorp
Classification: Likely benign for Arrhythmogenic right ventricular dysplasia 9. Last evaluated: 2025-12-21. Review status: criteria provided, single submitter. Criteria: Invitae Variant Classification Sherloc (09022015). Collection method: clinical testing. Allele origin: germline.

Ambry Genetics
Classification: Likely benign for Cardiovascular phenotype. Last evaluated: 2024-10-19. Review status: criteria provided, single submitter. Criteria: Ambry Variant Classification Scheme 2023. Collection method: clinical testing. Allele origin: germline.

All of Us Research Program, National Institutes of Health
Classification: Likely benign for Arrhythmogenic right ventricular cardiomyopathy. Last evaluated: 2023-12-01. Review status: criteria provided, single submitter. Criteria: ACMG Guidelines, 2015. Collection method: clinical testing. Allele origin: germline. Inheritance: Autosomal dominant inheritance. Observed: 4 variant alleles, 4 heterozygotes.
Comment: This study involves interpretation of variants in research participants for the purpose of population health screening. Participant phenotype was not available at the time of variant classification. Additional details can be found in publication PMID: 35346344, PMCID: PMC8962531

Color Diagnostics, LLC DBA Color Health
Classification: Likely benign for Cardiomyopathy. Last evaluated: 2018-11-14. Review status: criteria provided, single submitter. Criteria: ACMG Guidelines, 2015. Collection method: clinical testing. Allele origin: germline.

NM_001005242.3(PKP2):c.1932C>T (p.Ser644=)

Gene: PKP2 (plakophilin 2; minus strand). Cytogenetic location: 12p11.21.
Variant type: single nucleotide variant.
Coding change: c.1932C>T on transcript NM_001005242.3 (MANE Select); coding-DNA position 1932, C replaced by T.
Protein change: p.Ser644=; no amino-acid change (serine 644 retained).
Molecular consequence: synonymous variant.
Genome position (GRCh38, 1-based): chr12:32,821,437, G>A on the plus strand (C>T on the coding strand, the complement: PKP2 is on the minus strand). VCF-style: chr12-32821437-G-A. GRCh37 (hg19) VCF-style: chr12-32974371-G-A.
Other names: c.2064C>T, p.Ser688= (NM_004572.4).
Identifiers: ClinVar variation 927280 (VCV000927280.12), dbSNP rs763042549, ClinGen allele CA032488.
Genomic context (GRCh38, chr12:32,821,437, plus strand): 5'-GTTCTGCAGAGCTCCTAAGGATGCTTCTTGTGTGTAGTTGCGGACACTTTTGGCGATCAA[G>A]GACAGATACATCCTTATAACAATGGAATGCCACAGCCACTCCACGCCCTTGGGGTTGCTC-3'
Protein context (NP_001005242.2, residues 634-654): WHSIVIRMYL[Ser644=]LIAKSVRNYT